The following is an entry in ClinVar:

ClinVar aggregate classification (germline): Uncertain significance (1 of 4 stars; one submission).

Submission:

Labcorp Genetics (formerly Invitae), Labcorp
Classification: Uncertain significance. Last evaluated: 2022-07-05. Review status: criteria provided, single submitter. Criteria: Invitae Variant Classification Sherloc (09022015). Collection method: clinical testing. Allele origin: germline.
Comment: In summary, the available evidence is currently insufficient to determine the role of this variant in disease. Therefore, it has been classified as a Variant of Uncertain Significance. This variant has not been reported in the literature in individuals affected with TBX20-related conditions. A gross deletion of the genomic region encompassing the full coding sequence of the TBX20 gene has been identified. The current clinical and genetic evidence is not sufficient to establish whether loss-of-function variants in TBX20 cause disease. The boundaries of this event are unknown as they extend beyond the assayed region for this gene and therefore may encompass additional genes.

NC_000007.13:g.(?_35242042)_(35293231_?)del

Gene: TBX20 (T-box transcription factor 20; minus strand). Cytogenetic location: 7p14.2.
Variant type: Deletion.
Identifiers: ClinVar variation 1410100 (VCV001410100.5).